The following is an entry in ClinVar:

NM_000071.3(CBS):c.-84-277dup

Gene: CBS (cystathionine beta-synthase; minus strand). Cytogenetic location: 21q22.3.
Variant type: Duplication.
Coding change: c.-84-277dup on transcript NM_000071.3 (MANE Select); 277 bases into the intron before 84 bases upstream of the start codon, one base duplicated (A; older notation c.-84-277dupA).
Molecular consequence: intron variant.
Genome position (GRCh38, 1-based): chr21:43,073,618, T duplicated on the plus strand (A on the coding strand, the reverse complement: CBS is on the minus strand). VCF-style (leftmost placement, unchanged base first): chr21-43073617-G-GT. GRCh37 (hg19) VCF-style: chr21-44493727-G-GT.
Other names: c.-84-277dup (NM_001320298.2, NM_001178009.3, NM_001178008.3).
Identifiers: ClinVar variation 4854288 (VCV004854288.1).

ClinVar aggregate classification (germline): Uncertain significance (1 of 4 stars; one submission).

Conditions:
Classic homocystinuria. Also called: HOMOCYSTINURIA WITH OR WITHOUT RESPONSE TO PYRIDOXINE; Homocystinuria due to Cystathionine Beta-Synthase Deficiency; Homocystinuria due to CBS deficiency; Cystathionine beta-synthase deficiency; CBS deficiency. Identifiers: Orphanet 394, MedGen C0751202, MONDO:0009352, OMIM 236200.

Submission:

3billion
Classification: Uncertain significance for Classic homocystinuria. Last evaluated: 2025-12-10. Review status: criteria provided, single submitter. Criteria: ACMG Guidelines, 2015. Collection method: clinical testing. Allele origin: germline. Affected: yes.
Comment: The variant is not observed in the gnomAD v4.1.0 dataset. Predicted Consequence/Location: Intron variant In silico tools predict the variant to alter splicing and produce an abnormal transcript [SpliceAI: 0.20 (>=0.2, moderate evidence for spliceogenicity)]. Therefore, this variant is classified as VUS according to the recommendation of ACMG/AMP guideline.